The following is an entry in ClinVar:

ClinVar aggregate classification (germline): Uncertain significance. Review status: criteria provided, multiple submitters, no conflicts (2 of 4 stars). 2 submissions from 2 submitters: Uncertain significance (2). Last evaluated 2019-10-24.

Allele frequency attached by ClinVar (database versions not stated): gnomAD exomes below 0.00001; TOPMed below 0.00001.
gnomAD v4.1: 2 of 1,613,940 alleles (0.00012%); highest among the groups gnomAD compares: Non-Finnish European, 0.00017%; no homozygotes.

Submissions (2):

Labcorp Genetics (formerly Invitae), Labcorp
Classification: Uncertain significance. Last evaluated: 2019-10-24. Review status: criteria provided, single submitter. Criteria: Invitae Variant Classification Sherloc (09022015). Collection method: clinical testing. Allele origin: germline.
Comment: In summary, the available evidence is currently insufficient to determine the role of this variant in disease. Therefore, it has been classified as a Variant of Uncertain Significance. Algorithms developed to predict the effect of missense changes on protein structure and function output the following: SIFT: "Tolerated"; PolyPhen-2: "Benign"; Align-GVGD: "Class C0". The threonine amino acid residue is found in multiple mammalian species, suggesting that this missense change does not adversely affect protein function. These predictions have not been confirmed by published functional studies and their clinical significance is uncertain. This variant has not been reported in the literature in individuals with CERKL-related conditions. This variant is not present in population databases (ExAC no frequency). This sequence change replaces alanine with threonine at codon 381 of the CERKL protein (p.Ala381Thr). The alanine residue is highly conserved and there is a small physicochemical difference between alanine and threonine.

Blueprint Genetics
Classification: Uncertain significance. Last evaluated: 2019-10-01. Review status: criteria provided, single submitter. Criteria: ACMG Guidelines, 2015. Collection method: clinical testing. Allele origin: germline.

NM_201548.5(CERKL):c.1063G>A (p.Ala355Thr)

Gene: CERKL (CERK like autophagy regulator; minus strand). Cytogenetic location: 2q31.3.
Variant type: single nucleotide variant.
Coding change: c.1063G>A on transcript NM_201548.5 (MANE Select); coding-DNA position 1063, G replaced by A.
Protein change: p.Ala355Thr; replaces alanine 355 with threonine.
Molecular consequence: missense variant. On other transcripts: non-coding transcript variant (2).
Genome position (GRCh38, 1-based): chr2:181,548,690, C>T on the plus strand (G>A on the coding strand, the complement: CERKL is on the minus strand). VCF-style: chr2-181548690-C-T. GRCh37 (hg19) VCF-style: chr2-182413417-C-T.
Other names: c.1141G>A, p.Ala381Thr (NM_001030311.3); c.724G>A, p.Ala242Thr (NM_001030312.3); c.856G>A, p.Ala286Thr (NM_001030313.3); c.1009G>A, p.Ala337Thr (NM_001160277.2); short protein forms A337T, A242T, A381T, A286T, A355T.
Identifiers: ClinVar variation 962008 (VCV000962008.10), dbSNP rs1394762174, ClinGen allele CA349736782.